The following is an entry in ClinVar:

ClinVar aggregate classification (germline): Benign. Review status: criteria provided, multiple submitters, no conflicts (2 of 4 stars). 2 submissions from 2 submitters: Benign (2). Last evaluated 2018-01-12.

Conditions:
Cutis laxa with osteodystrophy (ARCL2A). Also called: Debré-Type Cutis Laxa; CUTIS LAXA WITH CONGENITAL DISORDER OF GLYCOSYLATION; CUTIS LAXA, AUTOSOMAL RECESSIVE, TYPE IIA; CUTIS LAXA WITH BONE DYSTROPHY; CUTIS LAXA WITH GROWTH AND DEVELOPMENTAL DELAY; CUTIS LAXA WITH JOINT LAXITY AND RETARDED DEVELOPMENT. Identifiers: Orphanet 357058, MedGen C0268355, MONDO:0018163, OMIM 219200. Disease mechanism: loss of function.

Allele frequency attached by ClinVar (database versions not stated): gnomAD 0.02215 and 0.02320; 1000 Genomes Project 0.02736; TOPMed 0.02677; 1000 Genomes Project 30x 0.02936.

Submissions (2):

Illumina Laboratory Services, Illumina
Classification: Benign for Cutis laxa with osteodystrophy. Last evaluated: 2018-01-12. Review status: criteria provided, single submitter. Criteria: ICSL Variant Classification Criteria 13 December 2019. Collection method: clinical testing. Allele origin: germline.
Comment: This variant was observed in the ICSL laboratory as part of a predisposition screen in an ostensibly healthy population. It had not been previously curated by ICSL or reported in the Human Gene Mutation Database (HGMD: prior to June 1st, 2018), and was therefore a candidate for classification through an automated scoring system. Utilizing variant allele frequency, disease prevalence and penetrance estimates, and inheritance mode, an automated score was calculated to assess if this variant is too frequent to cause the disease. Based on the score and internal cut-off values, a variant classified as benign is not then subjected to further curation. The score for this variant resulted in a classification of benign for this disease.

Breakthrough Genomics
Classification: Benign. Review status: criteria provided, single submitter. Criteria: ACMG Guidelines, 2015. Collection method: not provided. Allele origin: germline. Inheritance: Autosomal recessive inheritance. Affected: yes.

NM_012463.4(ATP6V0A2):c.*1600G>A

Gene: ATP6V0A2 (ATPase H+ transporting V0 subunit a2; plus strand). Cytogenetic location: 12q24.31.
Variant type: single nucleotide variant.
Coding change: c.*1600G>A on transcript NM_012463.4 (MANE Select); 1600 bases downstream of the stop codon, G replaced by A.
Molecular consequence: 3 prime UTR variant.
Genome position (GRCh38, 1-based): chr12:123,759,632, G>A. VCF-style: chr12-123759632-G-A. GRCh37 (hg19) VCF-style: chr12-124244179-G-A.
Identifiers: ClinVar variation 307615 (VCV000307615.6), dbSNP rs58028686, ClinGen allele CA10636752.